The following is an entry in ClinVar:

NM_015512.5(DNAH1):c.1394_1396del (p.Phe465del)

Gene: DNAH1 (dynein axonemal heavy chain 1; plus strand). Cytogenetic location: 3p21.1.
Variant type: Deletion.
Coding change: c.1394_1396del on transcript NM_015512.5 (MANE Select); coding-DNA positions 1394 to 1396, 3 bases deleted (TCT; older notation c.1394_1396delTCT).
Protein change: p.Phe465del; deletes phenylalanine 465.
Molecular consequence: inframe deletion.
Genome position (GRCh38, 1-based): chr3:52,344,597-52,344,599, TCT deleted; deleting any 3 consecutive bases within chr3:52,344,595-52,344,599 gives the same sequence; the c. name uses the placement nearest the transcript's 3' end. VCF-style (leftmost placement, unchanged base first): chr3-52344594-CCTT-C. GRCh37 (hg19) VCF-style: chr3-52378610-CCTT-C.
Other names: short protein forms F465del.
Identifiers: ClinVar variation 2941612 (VCV002941612.2), dbSNP rs2153223689, ClinGen allele CA2702814282.

ClinVar aggregate classification (germline): Uncertain significance (1 of 4 stars; one submission).

Conditions:
Spermatogenic failure 18. Identifiers: MedGen C4539783, MONDO:0054615, OMIM 617576.
Ciliary dyskinesia, primary, 37 (CILD37). Also called: CILIARY DYSKINESIA, PRIMARY, 37, WITH OR WITHOUT SITUS INVERSUS. Identifiers: MedGen C4539798, MONDO:0033204, OMIM 617577.

Submission:

Labcorp Genetics (formerly Invitae), Labcorp
Classification: Uncertain significance for Ciliary dyskinesia, primary, 37; Spermatogenic failure 18. Last evaluated: 2022-11-17. Review status: criteria provided, single submitter. Criteria: Invitae Variant Classification Sherloc (09022015). Collection method: clinical testing. Allele origin: germline.
Comment: In summary, the available evidence is currently insufficient to determine the role of this variant in disease. Therefore, it has been classified as a Variant of Uncertain Significance. Experimental studies and prediction algorithms are not available or were not evaluated, and the functional significance of this variant is currently unknown. This variant has not been reported in the literature in individuals affected with DNAH1-related conditions. This variant is not present in population databases (gnomAD no frequency). This variant, c.1394_1396del, results in the deletion of 1 amino acid(s) of the DNAH1 protein (p.Phe465del), but otherwise preserves the integrity of the reading frame.